The following is an entry in ClinVar:

NM_001261826.3(AP3D1):c.3486G>A (p.Val1162=)

Gene: AP3D1 (adaptor related protein complex 3 subunit delta 1; minus strand). Cytogenetic location: 19p13.3.
Variant type: single nucleotide variant.
Coding change: c.3486G>A on transcript NM_001261826.3 (MANE Select); coding-DNA position 3486, G replaced by A.
Protein change: p.Val1162=; no amino-acid change (valine 1162 retained).
Molecular consequence: synonymous variant.
Genome position (GRCh38, 1-based): chr19:2,108,753, C>T on the plus strand (G>A on the coding strand, the complement: AP3D1 is on the minus strand). VCF-style: chr19-2108753-C-T. GRCh37 (hg19) VCF-style: chr19-2108752-C-T.
Other names: p.Val1162=; c.3450G>A, p.Val1150= (NM_001374799.1); c.3300G>A, p.Val1100= (NM_003938.8).
Identifiers: ClinVar variation 1608516 (VCV001608516.9), dbSNP rs137960645, ClinGen allele CA9058352.

ClinVar aggregate classification (germline): Likely benign. Review status: criteria provided, multiple submitters, no conflicts (2 of 4 stars). 2 submissions from 2 submitters: Likely benign (2). Last evaluated 2025-12-22.

Allele frequency attached by ClinVar (database versions not stated): gnomAD exomes 0.00004 and 0.00007; ExAC 0.00007; ESP Exome Variant Server 0.00008; gnomAD 0.00012 and 0.00013; TOPMed 0.00017; 1000 Genomes Project 0.00060; 1000 Genomes Project 30x 0.00078.
gnomAD v4.1: 87 of 1,571,432 alleles (0.0055%); highest among the groups gnomAD compares: African/African-American, 0.039%; no homozygotes.

Submissions (2):

Labcorp Genetics (formerly Invitae), Labcorp
Classification: Likely benign. Last evaluated: 2025-12-22. Review status: criteria provided, single submitter. Criteria: Invitae Variant Classification Sherloc (09022015). Collection method: clinical testing. Allele origin: germline.

Mayo Clinic Laboratories, Mayo Clinic
Classification: Likely benign. Last evaluated: 2025-09-15. Review status: criteria provided, single submitter. Criteria: ACMG Guidelines, 2015. Collection method: clinical testing. Allele origin: germline. Observed: 3 variant alleles.
Comment: BP4, BP7